The following is an entry in ClinVar:

NM_014363.6(SACS):c.351_354del (p.Leu117fs)

Gene: SACS (sacsin molecular chaperone; minus strand). Cytogenetic location: 13q12.12.
Variant type: Microsatellite.
Coding change: c.351_354del on transcript NM_014363.6 (MANE Select); coding-DNA positions 351 to 354, 4 bases deleted (AATT; older notation c.351_354delAATT).
Protein change: p.Leu117fs; shifts the reading frame from leucine 117.
Molecular consequence: frameshift variant. On other transcripts: 5 prime UTR variant (1).
Genome position (GRCh38, 1-based): chr13:23,365,269-23,365,272, AATT deleted on the plus strand (AATT on the coding strand, the reverse complement: SACS is on the minus strand); deleting any 4 consecutive bases within chr13:23,365,269-23,365,276 gives the same sequence; the c. name uses the placement nearest the transcript's 3' end. VCF-style (leftmost placement, unchanged base first): chr13-23365268-GAATT-G. GRCh37 (hg19) VCF-style: chr13-23939407-GAATT-G.
Other names: c.-95AATT[1] (NM_001278055.2); short protein forms L117fs.
Identifiers: ClinVar variation 2678529 (VCV002678529.2), dbSNP rs778777806, ClinGen allele CA6912107.

ClinVar aggregate classification (germline): Likely pathogenic. Review status: criteria provided, multiple submitters, no conflicts (2 of 4 stars). 2 submissions from 2 submitters: Likely pathogenic (2). Last evaluated 2026-01-21.

Conditions:
Charlevoix-Saguenay spastic ataxia (SACS). Also called: SPASTIC ATAXIA 6, AUTOSOMAL RECESSIVE; AUTOSOMAL RECESSIVE SPASTIC ATAXIA OF CHARLEVOIX-SAGUENAY; Spastic ataxia of Charlevoix-Saguenay. Identifiers: Orphanet 98, MedGen C1849140, MONDO:0010041, OMIM 270550.

Submissions (2):

Variantyx, Inc.
Classification: Likely pathogenic for Charlevoix-Saguenay spastic ataxia. Last evaluated: 2026-01-21. Review status: criteria provided, single submitter. Criteria: Variantyx Assertion Criteria 2022. Collection method: clinical testing. Allele origin: germline. Inheritance: Autosomal recessive inheritance.
Comment: This is a frameshift variant in the SACS gene (OMIM: 604490). Pathogenic variants in this gene have been associated with autosomal recessive spastic ataxia of Charlevoix Saguenay type. This variant introduces a premature termination codon in exon 7 out of 10 and is expected to result in loss of function, which is a known disease mechanism for SACS in this disorder (PMID: 26288984) (PVS1). It has a 0.0001% maximum allele frequency in non-founder control populations (PM2). Based on the current evidence, this variant is classified as likely pathogenic for autosomal recessive spastic ataxia of Charlevoix Saguenay type.

Baylor Genetics
Classification: Likely pathogenic for Charlevoix-Saguenay spastic ataxia. Last evaluated: 2023-06-22. Review status: criteria provided, single submitter. Criteria: ACMG Guidelines, 2015. Collection method: clinical testing. Allele origin: unknown.

Literature cited by the submitters: PubMed 26288984 (cited by Variantyx, Inc.).